The following is an entry in ClinVar:

ClinVar aggregate classification (germline): Likely pathogenic (1 of 4 stars; one submission).

Conditions:
Congenital myasthenic syndrome (CMS). Also called: Congenital Myasthenic Syndromes. Identifiers: Orphanet 590, MedGen C0751882, MeSH D020294, MONDO:0018940.

Submission:

Natera, Inc.
Classification: Likely pathogenic for Congenital myasthenic syndrome. Last evaluated: 2024-09-15. Review status: criteria provided, single submitter. Criteria: Natera Variant Classification Schema (03/2026). Collection method: clinical testing. Allele origin: germline.
Comment: The c.1166dupC variant in CHRNE is a frameshift variant predicted to shift the reading frame beginning at codon 390 and leads to a stop codon 7 codons downstream. This variant is expected to result in nonsense mediated decay, truncation, or a dysfunctional protein product. This variant is rare in the general population with a frequency below the threshold expected for the associated phenotype(s). Given the available evidence, this variant is classified as Likely Pathogenic.

NM_000080.4(CHRNE):c.1166dup (p.Arg390fs)

Genes: CHRNE (cholinergic receptor nicotinic epsilon subunit; minus strand), LOC130060040 (ATAC-STARR-seq lymphoblastoid silent region 8049; plus strand). Cytogenetic location: 17p13.2.
Variant type: Duplication.
Coding change: c.1166dup on transcript NM_000080.4 (MANE Select); coding-DNA position 1166, one base duplicated (C; older notation c.1166dupC).
Protein change: p.Arg390fs; shifts the reading frame from arginine 390.
Molecular consequence: frameshift variant.
Genome position (GRCh38, 1-based): chr17:4,899,251, G duplicated on the plus strand (C on the coding strand, the reverse complement: CHRNE is on the minus strand); the first of 2 consecutive G bases (chr17:4,899,251-4,899,252); duplicating either gives the same sequence. VCF-style (leftmost placement, unchanged base first): chr17-4899250-T-TG. GRCh37 (hg19) VCF-style: chr17-4802545-T-TG.
Other names: short protein forms R390fs.
Identifiers: ClinVar variation 4816835 (VCV004816835.1).